The following is an entry in ClinVar:

NM_018082.6(POLR3B):c.1857-20T>A

Gene: POLR3B (RNA polymerase III subunit B; plus strand). Cytogenetic location: 12q23.3.
Variant type: single nucleotide variant.
Coding change: c.1857-20T>A on transcript NM_018082.6 (MANE Select); 20 bases into the intron before coding-DNA position 1857, T replaced by A.
Molecular consequence: intron variant.
Genome position (GRCh38, 1-based): chr12:106,437,661, T>A. VCF-style: chr12-106437661-T-A. GRCh37 (hg19) VCF-style: chr12-106831439-T-A.
Other names: c.1857-20T>A (NM_018082.5); c.1683-20T>A (NM_001160708.2).
Identifiers: ClinVar variation 1672138 (VCV001672138.11), dbSNP rs139597947, ClinGen allele CA6762057.

ClinVar aggregate classification (germline): Benign/Likely benign. Review status: criteria provided, multiple submitters, no conflicts (2 of 4 stars). 3 submissions from 3 submitters: Benign (1); Likely benign (1). 1 of the submissions does not count toward it. Last evaluated 2024-11-20.

Conditions:
POLR3B-related disorder. Also called: POLR3B-related condition; POLR3B-related disorders. Identifiers: MedGen CN378588, MONDO:0700277.

Allele frequency attached by ClinVar (database versions not stated): gnomAD exomes 0.00005 and 0.00027; gnomAD 0.00015 and 0.00017; TOPMed 0.00019; ExAC 0.00033; 1000 Genomes Project 30x 0.00078; 1000 Genomes Project 0.00100.
gnomAD v4.1: 150 of 1,407,688 alleles (0.011%); highest among the groups gnomAD compares: East Asian, 0.15%; no homozygotes.

Submissions (3):

Blueprint Genetics
Classification: Likely benign. Last evaluated: 2024-11-20. Review status: criteria provided, single submitter. Criteria: ACMG Guidelines, 2015. Collection method: clinical testing. Allele origin: germline.

Labcorp Genetics (formerly Invitae), Labcorp
Classification: Benign. Last evaluated: 2023-07-26. Review status: criteria provided, single submitter. Criteria: Invitae Variant Classification Sherloc (09022015). Collection method: clinical testing. Allele origin: germline.

PreventionGenetics, part of Exact Sciences
Classification: Likely benign for POLR3B-related condition. Last evaluated: 2024-05-10. Review status: no assertion criteria provided. Collection method: clinical testing. Allele origin: germline. Not counted in ClinVar's aggregate classification.
Comment: This variant is classified as likely benign based on ACMG/AMP sequence variant interpretation guidelines (Richards et al. 2015 PMID: 25741868, with internal and published modifications).